The following is an entry in ClinVar:

ClinVar aggregate classification (germline): Benign. Review status: criteria provided, single submitter (1 of 4 stars). 5 submissions from 5 submitters: Benign (1). 4 of the submissions do not count toward it. Last evaluated 2025-09-05.

Conditions:
Heterotaxy, visceral, 1, X-linked (HTX1). Also called: DEXTROCARDIA WITH OTHER CARDIAC MALFORMATIONS; SITUS INVERSUS, COMPLEX CARDIAC DEFECTS, AND SPLENIC DEFECTS, X-LINKED; Laterality, X-linked; Visceral heterotaxia. Identifiers: Orphanet 450, MedGen C1844020, MONDO:0010607, OMIM 306955.
ZIC3-related disorder. Also called: ZIC3-related condition; ZIC3-Related Disorders.

Submissions (5):

Labcorp Genetics (formerly Invitae), Labcorp
Classification: Benign for Heterotaxy, visceral, 1, X-linked. Last evaluated: 2025-09-05. Review status: criteria provided, single submitter. Criteria: Invitae Variant Classification Sherloc (09022015). Collection method: clinical testing. Allele origin: germline.

PreventionGenetics, part of Exact Sciences
Classification: Likely benign for ZIC3-related condition. Last evaluated: 2024-02-29. Review status: no assertion criteria provided. Collection method: clinical testing. Allele origin: germline. Not counted in ClinVar's aggregate classification.
Comment: This variant is classified as likely benign based on ACMG/AMP sequence variant interpretation guidelines (Richards et al. 2015 PMID: 25741868, with internal and published modifications).

Clinical Genetics DNA and cytogenetics Diagnostics Lab, Erasmus MC, Erasmus Medical Center
Classification: Uncertain significance. Review status: no assertion criteria provided. Collection method: clinical testing. Allele origin: germline. Affected: yes. Study: VKGL Data-share Consensus. Not counted in ClinVar's aggregate classification.

Diagnostic Laboratory, Department of Genetics, University Medical Center Groningen
Classification: Uncertain significance. Review status: no assertion criteria provided. Collection method: clinical testing. Allele origin: germline. Affected: yes. Study: VKGL Data-share Consensus. Not counted in ClinVar's aggregate classification.

Joint Genome Diagnostic Labs from Nijmegen and Maastricht, Radboudumc and MUMC+
Classification: Uncertain significance. Review status: no assertion criteria provided. Collection method: clinical testing. Allele origin: germline. Affected: yes. Study: VKGL Data-share Consensus. Not counted in ClinVar's aggregate classification.

NM_003413.4(ZIC3):c.135CGC[6] (p.Ala53_Ala55del)

Gene: ZIC3 (Zic family zinc finger 3; plus strand). Cytogenetic location: Xq26.3.
Variant type: Microsatellite.
Coding change: c.135CGC[6] on transcript NM_003413.4 (MANE Select); six copies in a row of the 3-base unit CGC starting at c.135; the reference has nine copies in a row; three copies, 9 bases deleted.
Protein change: p.Ala53_Ala55del.
Molecular consequence: inframe deletion.
Genome position (GRCh38, 1-based): chrX:137,566,844-137,566,852, CGCCGCCGC deleted; deleting any 9 consecutive bases within chrX:137,566,826-137,566,852 gives the same sequence; the position shown is the placement nearest the transcript's 3' end. VCF-style (leftmost placement, unchanged base first): chrX-137566825-ACGCCGCCGC-A. GRCh37 (hg19) VCF-style: chrX-136648984-ACGCCGCCGC-A.
Other names: c.153_161del9 (NM_003413.3); c.135CGC[6], p.Ala53_Ala55del (NM_001330661.1).
Identifiers: ClinVar variation 464970 (VCV000464970.17), dbSNP rs748325646, ClinGen allele CA10529266.